The following is an entry in ClinVar:

ClinVar aggregate classification (germline): Uncertain significance (1 of 4 stars; one submission).

Conditions:
Genitopatellar syndrome (GTPTS). Also called: ABSENT PATELLAE, SCROTAL HYPOPLASIA, RENAL ANOMALIES, FACIAL DYSMORPHISM, AND MENTAL RETARDATION; Genitopatellar syndrome (GPS). Identifiers: Orphanet 85201, MedGen C1853566, MONDO:0011640, OMIM 606170.

Submission:

Labcorp Genetics (formerly Invitae), Labcorp
Classification: Uncertain significance for Genitopatellar syndrome. Last evaluated: 2024-03-13. Review status: criteria provided, single submitter. Criteria: Invitae Variant Classification Sherloc (09022015). Collection method: clinical testing. Allele origin: germline.
Comment: This sequence change replaces lysine, which is basic and polar, with asparagine, which is neutral and polar, at codon 747 of the KAT6B protein (p.Lys747Asn). This variant is not present in population databases (gnomAD no frequency). This variant has not been reported in the literature in individuals affected with KAT6B-related conditions. Advanced modeling of protein sequence and biophysical properties (such as structural, functional, and spatial information, amino acid conservation, physicochemical variation, residue mobility, and thermodynamic stability) performed at Invitae indicates that this missense variant is not expected to disrupt KAT6B protein function with a negative predictive value of 80%. In summary, the available evidence is currently insufficient to determine the role of this variant in disease. Therefore, it has been classified as a Variant of Uncertain Significance.

NM_012330.4(KAT6B):c.2241G>C (p.Lys747Asn)

Gene: KAT6B (lysine acetyltransferase 6B; plus strand). Cytogenetic location: 10q22.2.
Variant type: single nucleotide variant.
Coding change: c.2241G>C on transcript NM_012330.4 (MANE Select); coding-DNA position 2241, G replaced by C.
Protein change: p.Lys747Asn; replaces lysine 747 with asparagine.
Molecular consequence: missense variant. On other transcripts: intron variant (2).
Genome position (GRCh38, 1-based): chr10:74,981,796, G>C. VCF-style: chr10-74981796-G-C. GRCh37 (hg19) VCF-style: chr10-76741554-G-C.
Other names: c.847-7223G>C (NM_001370133.1); c.193-7223G>C (NM_001370135.1); c.2241G>C, p.Lys747Asn (NM_001370136.1, NM_001370137.1); c.1692G>C, p.Lys564Asn (NM_001370138.1, NM_001256468.2); c.1365G>C, p.Lys455Asn (NM_001370139.1, NM_001370140.1, NM_001370141.1 and 3 more transcripts); c.1176G>C, p.Lys392Asn (NM_001370143.1, NM_001370144.1); c.318G>C, p.Lys106Asn (NM_001370134.1); short protein forms K106N, K392N, K455N, K564N, K747N.
Identifiers: ClinVar variation 3644560 (VCV003644560.2).